The following is an entry in ClinVar:

NM_022367.4(SEMA4A):c.733TTC[2] (p.Phe247del)

Gene: SEMA4A (semaphorin 4A; plus strand). Cytogenetic location: 1q22.
Variant type: Microsatellite.
Coding change: c.733TTC[2] on transcript NM_022367.4 (MANE Select); two copies in a row of the 3-base unit TTC starting at c.733; the reference has three copies in a row; one copy, 3 bases deleted.
Protein change: p.Phe247del; deletes phenylalanine 247.
Molecular consequence: inframe deletion.
Genome position (GRCh38, 1-based): chr1:156,160,958-156,160,960, TTC deleted; deleting any 3 consecutive bases within chr1:156,160,951-156,160,960 gives the same sequence; the position shown is the placement nearest the transcript's 3' end. VCF-style (leftmost placement, unchanged base first): chr1-156160950-ACTT-A. GRCh37 (hg19) VCF-style: chr1-156130741-ACTT-A.
Other names: c.733TTC[2], p.Phe247del (NM_001193300.2, NM_001193301.2, NM_001370567.1); c.337TTC[2], p.Phe115del (NM_001193302.2); c.436TTC[2], p.Phe148del (NM_001370568.1); c.226TTC[2], p.Phe78del (NM_001370569.1, NM_001370571.1); short protein forms F115del, F148del, F247del, F78del.
Identifiers: ClinVar variation 1018696 (VCV001018696.9), dbSNP rs776339452, ClinGen allele CA1155135.

ClinVar aggregate classification (germline): Uncertain significance. Review status: criteria provided, multiple submitters, no conflicts (2 of 4 stars). 2 submissions from 2 submitters: Uncertain significance (2). Last evaluated 2024-05-30.

Submissions (2):

Blueprint Genetics
Classification: Uncertain significance. Last evaluated: 2024-05-30. Review status: criteria provided, single submitter. Criteria: ACMG Guidelines, 2015. Collection method: clinical testing. Allele origin: germline.

Labcorp Genetics (formerly Invitae), Labcorp
Classification: Uncertain significance. Last evaluated: 2022-11-08. Review status: criteria provided, single submitter. Criteria: Invitae Variant Classification Sherloc (09022015). Collection method: clinical testing. Allele origin: germline.
Comment: In summary, the available evidence is currently insufficient to determine the role of this variant in disease. Therefore, it has been classified as a Variant of Uncertain Significance. Experimental studies and prediction algorithms are not available or were not evaluated, and the functional significance of this variant is currently unknown. This variant has not been reported in the literature in individuals affected with SEMA4A-related conditions. This variant is present in population databases (rs776339452, gnomAD 0.02%). This variant, c.739_741del, results in the deletion of 1 amino acid(s) of the SEMA4A protein (p.Phe247del), but otherwise preserves the integrity of the reading frame.